The following is an entry in ClinVar:

ClinVar aggregate classification (germline): Uncertain significance. Review status: criteria provided, multiple submitters, no conflicts (2 of 4 stars). 6 submissions from 6 submitters: Uncertain significance (6). Last evaluated 2026-06-30.

Conditions:
SDCCAG8-related disorder. Also called: SDCCAG8-Related Disorders; SDCCAG8-related condition.
Inborn genetic diseases. Identifiers: MedGen C0950123, MeSH D030342.
Senior-Loken syndrome 7 (SLSN7). Identifiers: Orphanet 3156, MedGen C3150877, MONDO:0013326, OMIM 613615.
Bardet-Biedl syndrome 16 (BBS16). Identifiers: Orphanet 110, MedGen C3889474, MONDO:0014444, OMIM 615993.

Allele frequency attached by ClinVar (database versions not stated): gnomAD exomes 0.00007; ExAC 0.00008; ESP Exome Variant Server 0.00008; gnomAD 0.00009; TOPMed 0.00012.
gnomAD v4.1: 247 of 1,612,884 alleles (0.015%); highest among the groups gnomAD compares: Admixed American, 0.028%; no homozygotes.

Submissions (6):

PreventionGenetics, part of Exact Sciences
Classification: Uncertain significance for SDCCAG8-related condition. Last evaluated: 2026-06-30. Review status: criteria provided, single submitter. Criteria: ACMG Guidelines, 2015. Collection method: clinical testing. Allele origin: germline.
Comment: The SDCCAG8 c.244C>T variant is predicted to result in the amino acid substitution p.Arg82Cys. To our knowledge, this variant has not been reported in the literature. This variant is reported in 0.020% of alleles in individuals of Latino descent in gnomAD. At this time, the clinical significance of this variant is uncertain due to the absence of conclusive functional and genetic evidence.

Ambry Genetics
Classification: Uncertain significance for Inborn genetic diseases. Last evaluated: 2025-10-02. Review status: criteria provided, single submitter. Criteria: Ambry Variant Classification Scheme 2023. Collection method: clinical testing. Allele origin: germline.

Labcorp Genetics (formerly Invitae), Labcorp
Classification: Uncertain significance for Bardet-Biedl syndrome 16; Senior-Loken syndrome 7. Last evaluated: 2024-12-02. Review status: criteria provided, single submitter. Criteria: Invitae Variant Classification Sherloc (09022015). Collection method: clinical testing. Allele origin: germline.
Comment: This sequence change replaces arginine, which is basic and polar, with cysteine, which is neutral and slightly polar, at codon 82 of the SDCCAG8 protein (p.Arg82Cys). This variant is present in population databases (rs143447584, gnomAD 0.02%). This variant has not been reported in the literature in individuals affected with SDCCAG8-related conditions. ClinVar contains an entry for this variant (Variation ID: 392659). Invitae Evidence Modeling of protein sequence and biophysical properties (such as structural, functional, and spatial information, amino acid conservation, physicochemical variation, residue mobility, and thermodynamic stability) indicates that this missense variant is not expected to disrupt SDCCAG8 protein function with a negative predictive value of 80%. In summary, the available evidence is currently insufficient to determine the role of this variant in disease. Therefore, it has been classified as a Variant of Uncertain Significance.

Blueprint Genetics
Classification: Uncertain significance. Last evaluated: 2024-06-12. Review status: criteria provided, single submitter. Criteria: ACMG Guidelines, 2015. Collection method: clinical testing. Allele origin: germline.

Fulgent Genetics
Classification: Uncertain significance for Senior-Loken syndrome 7; Bardet-Biedl syndrome 16. Last evaluated: 2024-06-06. Review status: criteria provided, single submitter. Criteria: ACMG Guidelines, 2015. Collection method: clinical testing. Allele origin: germline.

GeneDx
Classification: Uncertain significance. Last evaluated: 2023-05-26. Review status: criteria provided, single submitter. Criteria: GeneDx Variant Classification Process June 2021. Collection method: clinical testing. Allele origin: germline. Affected: yes.
Comment: In silico analysis supports that this missense variant has a deleterious effect on protein structure/function; Has not been previously published as pathogenic or benign to our knowledge

NM_006642.5(SDCCAG8):c.244C>T (p.Arg82Cys)

Gene: SDCCAG8 (SHH signaling and ciliogenesis regulator SDCCAG8; plus strand). Cytogenetic location: 1q43.
Variant type: single nucleotide variant.
Coding change: c.244C>T on transcript NM_006642.5 (MANE Select); coding-DNA position 244, C replaced by T.
Protein change: p.Arg82Cys; replaces arginine 82 with cysteine.
Molecular consequence: missense variant. On other transcripts: 5 prime UTR variant (4).
Genome position (GRCh38, 1-based): chr1:243,271,001, C>T. VCF-style: chr1-243271001-C-T. GRCh37 (hg19) VCF-style: chr1-243434303-C-T.
Other names: c.-869C>T (NM_001350246.2); c.-757C>T (NM_001350247.2); c.244C>T, p.Arg82Cys (NM_001350248.2); c.-51C>T (NM_001350249.2); c.-1130C>T (NM_001350251.2); short protein forms R82C.
Identifiers: ClinVar variation 392659 (VCV000392659.19), dbSNP rs143447584, ClinGen allele CA1483246.